The following is an entry in ClinVar:

ClinVar aggregate classification (germline): Uncertain significance (1 of 4 stars; one submission).

Conditions:
Left ventricular noncompaction 8 (LVNC8). Identifiers: Orphanet 154, Orphanet 54260, MedGen C3809288, MONDO:0014152, OMIM 615373.

Allele frequency attached by ClinVar (database versions not stated): TOPMed 0.00001; gnomAD 0.00002.
gnomAD v4.1: 3 of 1,606,926 alleles (0.00019%); highest among the groups gnomAD compares: African/African-American, 0.004%; no homozygotes.

Submission:

Labcorp Genetics (formerly Invitae), Labcorp
Classification: Uncertain significance for Left ventricular noncompaction 8. Last evaluated: 2022-03-19. Review status: criteria provided, single submitter. Criteria: Invitae Variant Classification Sherloc (09022015). Collection method: clinical testing. Allele origin: germline.
Comment: In summary, the available evidence is currently insufficient to determine the role of this variant in disease. Therefore, it has been classified as a Variant of Uncertain Significance. This sequence change replaces serine, which is neutral and polar, with leucine, which is neutral and non-polar, at codon 673 of the PRDM16 protein (p.Ser673Leu). This variant is present in population databases (no rsID available, gnomAD 0.01%). This variant has not been reported in the literature in individuals affected with PRDM16-related conditions. Algorithms developed to predict the effect of missense changes on protein structure and function are either unavailable or do not agree on the potential impact of this missense change (SIFT: "Deleterious"; PolyPhen-2: "Possibly Damaging"; Align-GVGD: "Class C0").

NM_022114.4(PRDM16):c.2018C>T (p.Ser673Leu)

Gene: PRDM16 (PR/SET domain 16; plus strand). Cytogenetic location: 1p36.32.
Variant type: single nucleotide variant.
Coding change: c.2018C>T on transcript NM_022114.4 (MANE Select); coding-DNA position 2018, C replaced by T.
Protein change: p.Ser673Leu; replaces serine 673 with leucine.
Molecular consequence: missense variant.
Genome position (GRCh38, 1-based): chr1:3,412,215, C>T. VCF-style: chr1-3412215-C-T. GRCh37 (hg19) VCF-style: chr1-3328779-C-T.
Other names: c.2018C>T, p.Ser673Leu (NM_199454.3); short protein forms S673L.
Identifiers: ClinVar variation 1514308 (VCV001514308.6), dbSNP rs1270179748, ClinGen allele CA337999509.